The following is an entry in ClinVar:

ClinVar aggregate classification (germline): Uncertain significance (1 of 4 stars; one submission).

Submission:

GeneDx
Classification: Uncertain significance. Last evaluated: 2024-08-07. Review status: criteria provided, single submitter. Criteria: GeneDx Variant Classification Process June 2021. Collection method: clinical testing. Allele origin: germline. Affected: yes.
Comment: Not observed at significant frequency in large population cohorts (gnomAD); In silico analysis supports that this missense variant has a deleterious effect on protein structure/function; Has not been previously published as pathogenic or benign to our knowledge

NM_198994.3(TGM6):c.1777G>C (p.Gly593Arg)

Gene: TGM6 (transglutaminase 6; plus strand). Cytogenetic location: 20p13.
Variant type: single nucleotide variant.
Coding change: c.1777G>C on transcript NM_198994.3 (MANE Select); coding-DNA position 1777, G replaced by C.
Protein change: p.Gly593Arg; replaces glycine 593 with arginine.
Molecular consequence: missense variant.
Genome position (GRCh38, 1-based): chr20:2,430,544, G>C. VCF-style: chr20-2430544-G-C. GRCh37 (hg19) VCF-style: chr20-2411190-G-C.
Other names: c.1777G>C, p.Gly593Arg (NM_001254734.2); short protein forms G593R.
Identifiers: ClinVar variation 3603123 (VCV003603123.1).